The following is an entry in ClinVar:

NM_002241.5(KCNJ10):c.808C>G (p.Leu270Val)

Gene: KCNJ10 (potassium inwardly rectifying channel subfamily J member 10; minus strand). Cytogenetic location: 1q23.2.
Variant type: single nucleotide variant.
Coding change: c.808C>G on transcript NM_002241.5 (MANE Select); coding-DNA position 808, C replaced by G.
Protein change: p.Leu270Val; replaces leucine 270 with valine.
Molecular consequence: missense variant.
Genome position (GRCh38, 1-based): chr1:160,041,725, G>C on the plus strand (C>G on the coding strand, the complement: KCNJ10 is on the minus strand). VCF-style: chr1-160041725-G-C. GRCh37 (hg19) VCF-style: chr1-160011515-G-C.
Other names: short protein forms L270V.
Identifiers: ClinVar variation 1949007 (VCV001949007.5), dbSNP rs868597476, ClinGen allele CA343224853.

ClinVar aggregate classification (germline): Uncertain significance (1 of 4 stars; one submission).

Conditions:
EAST syndrome (SESAMES). Also called: SEIZURES, SENSORINEURAL DEAFNESS, ATAXIA, IMPAIRED INTELLECTUAL DEVELOPMENT, AND ELECTROLYTE IMBALANCE. Identifiers: Orphanet 199343, MedGen C2748572, MONDO:0013005, OMIM 612780.

Submission:

Labcorp Genetics (formerly Invitae), Labcorp
Classification: Uncertain significance for EAST syndrome. Last evaluated: 2026-01-12. Review status: criteria provided, single submitter. Criteria: Invitae Variant Classification Sherloc (09022015). Collection method: clinical testing. Allele origin: germline.
Comment: This sequence change replaces leucine, which is neutral and non-polar, with valine, which is neutral and non-polar, at codon 270 of the KCNJ10 protein (p.Leu270Val). This variant is not present in population databases (gnomAD no frequency). This variant has not been reported in the literature in individuals affected with KCNJ10-related conditions. ClinVar contains an entry for this variant (Variation ID: 1949007). Invitae Evidence Modeling of protein sequence and biophysical properties (such as structural, functional, and spatial information, amino acid conservation, physicochemical variation, residue mobility, and thermodynamic stability) has been performed for this missense variant. However, the output from this modeling did not meet the statistical confidence thresholds required to predict the impact of this variant on KCNJ10 protein function. In summary, the available evidence is currently insufficient to determine the role of this variant in disease. Therefore, it has been classified as a Variant of Uncertain Significance.